The following is an entry in ClinVar:

NM_001256627.2(BRSK2):c.918G>A (p.Met306Ile)

Gene: BRSK2 (BR serine/threonine kinase 2; plus strand). Cytogenetic location: 11p15.5.
Variant type: single nucleotide variant.
Coding change: c.918G>A on transcript NM_001256627.2 (MANE Select); coding-DNA position 918, G replaced by A.
Protein change: p.Met306Ile; replaces methionine 306 with isoleucine.
Molecular consequence: missense variant. On other transcripts: non-coding transcript variant (1).
Genome position (GRCh38, 1-based): chr11:1,445,399, G>A. VCF-style: chr11-1445399-G-A. GRCh37 (hg19) VCF-style: chr11-1466629-G-A.
Other names: c.918G>A, p.Met306Ile (NM_001256629.2, NM_003957.4); c.1056G>A, p.Met352Ile (NM_001256630.1); c.738G>A, p.Met246Ile (NM_001282218.2); short protein forms M246I, M306I, M352I.
Identifiers: ClinVar variation 1698132 (VCV001698132.2), dbSNP rs2133119931, ClinGen allele CA379060666.

ClinVar aggregate classification (germline): Uncertain significance (1 of 4 stars; one submission).

Submission:

GeneDx
Classification: Uncertain significance. Last evaluated: 2022-01-20. Review status: criteria provided, single submitter. Criteria: GeneDx Variant Classification Process June 2021. Collection method: clinical testing. Allele origin: germline. Affected: yes.
Comment: Not observed at significant frequency in large population cohorts (gnomAD); In silico analysis supports that this missense variant does not alter protein structure/function; Has not been previously published as pathogenic or benign to our knowledge